The following is an entry in ClinVar:

ClinVar aggregate classification (germline): Uncertain significance (1 of 4 stars; one submission).

Conditions:
Progressive microcephaly-seizures-cortical blindness-developmental delay syndrome. Also called: Seizures, cortical blindness, and microcephaly syndrome. Identifiers: Orphanet 477814, MedGen C5567650, MONDO:0014714, OMIM 616632.
Autosomal dominant nonsyndromic hearing loss 1. Also called: KONIGSMARK SYNDROME; DEAFNESS, AUTOSOMAL DOMINANT 1, WITH OR WITHOUT THROMBOCYTOPENIA. Identifiers: Orphanet 90635, MedGen C1852282, MONDO:0007424, OMIM 124900.

Submission:

Labcorp Genetics (formerly Invitae), Labcorp
Classification: Uncertain significance for Progressive microcephaly-seizures-cortical blindness-developmental delay syndrome; Autosomal dominant nonsyndromic hearing loss 1. Last evaluated: 2025-07-14. Review status: criteria provided, single submitter. Criteria: Invitae Variant Classification Sherloc (09022015). Collection method: clinical testing. Allele origin: germline.
Comment: This sequence change replaces serine, which is neutral and polar, with glycine, which is neutral and non-polar, at codon 697 of the DIAPH1 protein (p.Ser697Gly). This variant is not present in population databases (gnomAD no frequency). This variant has not been reported in the literature in individuals affected with DIAPH1-related conditions. An algorithm developed to predict the effect of missense changes on protein structure and function outputs the following: PolyPhen-2: "Not Available". The glycine amino acid residue is found in multiple mammalian species, which suggests that this missense change does not adversely affect protein function. In summary, the available evidence is currently insufficient to determine the role of this variant in disease. Therefore, it has been classified as a Variant of Uncertain Significance.

NM_005219.5(DIAPH1):c.2089A>G (p.Ser697Gly)

Gene: DIAPH1 (diaphanous related formin 1; minus strand). Cytogenetic location: 5q31.3.
Variant type: single nucleotide variant.
Coding change: c.2089A>G on transcript NM_005219.5 (MANE Select); coding-DNA position 2089, A replaced by G.
Protein change: p.Ser697Gly; replaces serine 697 with glycine.
Molecular consequence: missense variant.
Genome position (GRCh38, 1-based): chr5:141,573,761, T>C on the plus strand (A>G on the coding strand, the complement: DIAPH1 is on the minus strand). VCF-style: chr5-141573761-T-C. GRCh37 (hg19) VCF-style: chr5-140953328-T-C.
Other names: c.2062A>G, p.Ser688Gly (NM_001079812.3); c.2089A>G, p.Ser697Gly (NM_001314007.2); short protein forms S688G, S697G.
Identifiers: ClinVar variation 4790082 (VCV004790082.1).
Genomic context (GRCh38, chr5:141,573,761, plus strand): 5'-GAGGAGGTGGCATTCCTGCTTCTCCAGGCAAGGGAGGAGGTGGGGGGGGAATTCCAGCAC[T>C]CCCAGGCAAAGGAGGTGGTGGTGGGGGGATTCTAGCACTCCCAGGCAAAGGAGGAGGTGG-3'
Protein context (NP_005210.3, residues 687-707): IPPPPPPLPG[Ser697Gly]AGIPPPPPPL